The following is an entry in ClinVar:

NM_005157.6(ABL1):c.2297G>C (p.Arg766Thr)

Gene: ABL1 (ABL proto-oncogene 1, non-receptor tyrosine kinase; plus strand). Cytogenetic location: 9q34.12.
Variant type: single nucleotide variant.
Coding change: c.2297G>C on transcript NM_005157.6 (MANE Select); coding-DNA position 2297, G replaced by C.
Protein change: p.Arg766Thr; replaces arginine 766 with threonine.
Molecular consequence: missense variant.
Genome position (GRCh38, 1-based): chr9:130,884,587, G>C. VCF-style: chr9-130884587-G-C. GRCh37 (hg19) VCF-style: chr9-133759974-G-C.
Other names: c.2354G>C, p.Arg785Thr (NM_007313.3); short protein forms R766T, R785T.
Identifiers: ClinVar variation 3679407 (VCV003679407.2).
Genomic context (GRCh38, chr9:130,884,587, plus strand): 5'-AGTTTGACTCGTCCACATTTGGAGGGCACAAAAGTGAGAAGCCGGCTCTGCCTCGGAAGA[G>C]GGCAGGGGAGAACAGGTCTGACCAGGTGACCCGAGGCACAGTAACGCCTCCCCCCAGGCT-3'
Protein context (NP_005148.2, residues 756-776): KSEKPALPRK[Arg766Thr]AGENRSDQVT

ClinVar aggregate classification (germline): Uncertain significance (1 of 4 stars; one submission).

gnomAD v4.1: 2 of 1,613,388 alleles (0.00012%); highest among the groups gnomAD compares: Non-Finnish European, 0.00017%; no homozygotes.

Submission:

Labcorp Genetics (formerly Invitae), Labcorp
Classification: Uncertain significance. Last evaluated: 2026-01-27. Review status: criteria provided, single submitter. Criteria: Invitae Variant Classification Sherloc (09022015). Collection method: clinical testing. Allele origin: germline.
Comment: This sequence change replaces arginine, which is basic and polar, with threonine, which is neutral and polar, at codon 785 of the ABL1 protein (p.Arg785Thr). This variant is not present in population databases (gnomAD no frequency). This variant has not been reported in the literature in individuals affected with ABL1-related conditions. ClinVar contains an entry for this variant (Variation ID: 3679407). Invitae Evidence Modeling of protein sequence and biophysical properties (such as structural, functional, and spatial information, amino acid conservation, physicochemical variation, residue mobility, and thermodynamic stability) indicates that this missense variant is not expected to disrupt ABL1 protein function with a negative predictive value of 95%. In summary, the available evidence is currently insufficient to determine the role of this variant in disease. Therefore, it has been classified as a Variant of Uncertain Significance.